The following is an entry in ClinVar:

NM_000238.4(KCNH2):c.1650G>A (p.Leu550=)

Gene: KCNH2 (potassium voltage-gated channel subfamily H member 2; minus strand). Cytogenetic location: 7q36.1.
Variant type: single nucleotide variant.
Coding change: c.1650G>A on transcript NM_000238.4 (MANE Select); coding-DNA position 1650, G replaced by A.
Protein change: p.Leu550=; no amino-acid change (leucine 550 retained).
Molecular consequence: synonymous variant. On other transcripts: non-coding transcript variant (2).
Genome position (GRCh38, 1-based): chr7:150,951,743, C>T on the plus strand (G>A on the coding strand, the complement: KCNH2 is on the minus strand). VCF-style: chr7-150951743-C-T. GRCh37 (hg19) VCF-style: chr7-150648831-C-T.
Other names: c.630G>A, p.Leu210= (NM_001204798.2, NM_172057.3); c.1362G>A, p.Leu454= (NM_001406753.1, NM_001406756.1); c.1473G>A, p.Leu491= (NM_001406755.1); c.1350G>A, p.Leu450= (NM_001406757.1); c.1650G>A, p.Leu550= (NM_172056.3).
Identifiers: ClinVar variation 1043549 (VCV001043549.11), dbSNP rs1801178785, ClinGen allele CA458645599.

ClinVar aggregate classification (germline): Likely benign. Review status: criteria provided, multiple submitters, no conflicts (2 of 4 stars). 2 submissions from 2 submitters: Likely benign (2). Last evaluated 2023-08-15.

Conditions:
Long QT syndrome (LQTS). Identifiers: MedGen C0023976, MeSH D008133, MONDO:0002442. Disease mechanism: loss of function. Inheritance: Various modes of inheritance.

Submissions (2):

All of Us Research Program, National Institutes of Health
Classification: Likely benign for Long QT syndrome. Last evaluated: 2023-08-15. Review status: criteria provided, single submitter. Criteria: ACMG Guidelines, 2015. Collection method: clinical testing. Allele origin: germline. Inheritance: Autosomal dominant inheritance. Observed: 1 variant allele, 1 heterozygote.
Comment: This study involves interpretation of variants in research participants for the purpose of population health screening. Participant phenotype was not available at the time of variant classification. Additional details can be found in publication PMID: 35346344, PMCID: PMC8962531

Labcorp Genetics (formerly Invitae), Labcorp
Classification: Likely benign for Long QT syndrome. Last evaluated: 2022-06-04. Review status: criteria provided, single submitter. Criteria: Invitae Variant Classification Sherloc (09022015). Collection method: clinical testing. Allele origin: germline.